The following is an entry in ClinVar:

ClinVar aggregate classification (germline): Uncertain significance. Review status: criteria provided, multiple submitters, no conflicts (2 of 4 stars). 2 submissions from 2 submitters: Uncertain significance (2). Last evaluated 2024-11-05.

Conditions:
Oligodontia-cancer predisposition syndrome. Also called: TOOTH AGENESIS-COLORECTAL CANCER SYNDROME. Identifiers: Orphanet 300576, MedGen C1837750, MONDO:0012075, OMIM 608615. Disease mechanism: loss of function.
Hereditary cancer-predisposing syndrome. Also called: Tumor predisposition; Hereditary neoplastic syndrome; Neoplastic Syndromes, Hereditary; Hereditary Cancer Syndrome. Identifiers: Orphanet 140162, MedGen C0027672, MeSH D009386, MONDO:0015356.

Allele frequency attached by ClinVar (database versions not stated): gnomAD exomes below 0.00001 and 0.00001; ExAC 0.00002; ESP Exome Variant Server 0.00008.
gnomAD v4.1: 3 of 1,614,086 alleles (0.00019%); highest among the groups gnomAD compares: Non-Finnish European, 0.00025%; no homozygotes.

Submissions (2):

Ambry Genetics
Classification: Uncertain significance for Hereditary cancer-predisposing syndrome. Last evaluated: 2024-11-05. Review status: criteria provided, single submitter. Criteria: Ambry Variant Classification Scheme 2023. Collection method: clinical testing. Allele origin: germline.
Comment: The p.T564A variant (also known as c.1690A>G), located in coding exon 5 of the AXIN2 gene, results from an A to G substitution at nucleotide position 1690. The threonine at codon 564 is replaced by alanine, an amino acid with similar properties. This amino acid position is conserved. In addition, this alteration is predicted to be tolerated by in silico analysis. Since supporting evidence is limited at this time, the clinical significance of this alteration remains unclear.

Labcorp Genetics (formerly Invitae), Labcorp
Classification: Uncertain significance for Oligodontia-cancer predisposition syndrome. Last evaluated: 2023-08-08. Review status: criteria provided, single submitter. Criteria: Invitae Variant Classification Sherloc (09022015). Collection method: clinical testing. Allele origin: germline.
Comment: This sequence change replaces threonine, which is neutral and polar, with alanine, which is neutral and non-polar, at codon 564 of the AXIN2 protein (p.Thr564Ala). This variant is present in population databases (rs139414862, gnomAD 0.002%). This variant has not been reported in the literature in individuals affected with AXIN2-related conditions. ClinVar contains an entry for this variant (Variation ID: 855982). Advanced modeling of protein sequence and biophysical properties (such as structural, functional, and spatial information, amino acid conservation, physicochemical variation, residue mobility, and thermodynamic stability) performed at Invitae indicates that this missense variant is not expected to disrupt AXIN2 protein function. In summary, the available evidence is currently insufficient to determine the role of this variant in disease. Therefore, it has been classified as a Variant of Uncertain Significance.

NM_004655.4(AXIN2):c.1690A>G (p.Thr564Ala)

Gene: AXIN2 (axin 2; minus strand). Cytogenetic location: 17q24.1.
Variant type: single nucleotide variant.
Coding change: c.1690A>G on transcript NM_004655.4 (MANE Select); coding-DNA position 1690, A replaced by G.
Protein change: p.Thr564Ala; replaces threonine 564 with alanine.
Molecular consequence: missense variant.
Genome position (GRCh38, 1-based): chr17:65,537,346, T>C on the plus strand (A>G on the coding strand, the complement: AXIN2 is on the minus strand). VCF-style: chr17-65537346-T-C. GRCh37 (hg19) VCF-style: chr17-63533464-T-C.
Other names: c.1690A>G, p.Thr564Ala (NM_001363813.1); short protein forms T564A.
Identifiers: ClinVar variation 855982 (VCV000855982.13), dbSNP rs139414862, ClinGen allele CA8718577.